The following is an entry in ClinVar:

NM_020778.5(ALPK3):c.4723+8G>C

Gene: ALPK3 (alpha kinase 3; plus strand). Cytogenetic location: 15q25.3.
Variant type: single nucleotide variant.
Coding change: c.4723+8G>C on transcript NM_020778.5 (MANE Select); 8 bases into the intron after coding-DNA position 4723, G replaced by C.
Molecular consequence: intron variant.
Genome position (GRCh38, 1-based): chr15:84,864,673, G>C. VCF-style: chr15-84864673-G-C. GRCh37 (hg19) VCF-style: chr15-85407904-G-C.
Identifiers: ClinVar variation 669239 (VCV000669239.12), dbSNP rs201433304, ClinGen allele CA7710051.
Genomic context (GRCh38, chr15:84,864,673, plus strand): 5'-ACACTGGCTGTATCAGTGGACAAATGGCAGCTTCCTTGTCACAGACTTGGCAGGTACGAG[G>C]GTGTGAGGGTGCACGGGTACGCATGTGCATGGATGTGAAAGCATGCAGAGGAGGCAAAGC-3'

ClinVar aggregate classification (germline): Likely benign. Review status: criteria provided, multiple submitters, no conflicts (2 of 4 stars). 3 submissions from 3 submitters: Likely benign (2). 1 of the submissions does not count toward it. Last evaluated 2025-12-08.

Conditions:
ALPK3-related disorder. Also called: ALPK3-related condition.

Allele frequency attached by ClinVar (database versions not stated): gnomAD 0.00002 and 0.00005; gnomAD exomes 0.00005 and 0.00011; TOPMed 0.00008; ExAC 0.00009; 1000 Genomes Project 30x 0.00031; 1000 Genomes Project 0.00040.
gnomAD v4.1: 75 of 1,612,738 alleles (0.0047%); highest among the groups gnomAD compares: East Asian, 0.16%; 1 homozygote.

Submissions (3):

Labcorp Genetics (formerly Invitae), Labcorp
Classification: Likely benign. Last evaluated: 2025-12-08. Review status: criteria provided, single submitter. Criteria: Invitae Variant Classification Sherloc (09022015). Collection method: clinical testing. Allele origin: germline.

GeneDx
Classification: Likely benign. Last evaluated: 2018-06-05. Review status: criteria provided, single submitter. Criteria: GeneDx Variant Classification (06012015). Collection method: clinical testing. Allele origin: germline. Affected: yes.
Comment: This variant is considered likely benign or benign based on one or more of the following criteria: it is a conservative change, it occurs at a poorly conserved position in the protein, it is predicted to be benign by multiple in silico algorithms, and/or has population frequency not consistent with disease.

PreventionGenetics, part of Exact Sciences
Classification: Likely benign for ALPK3-related condition. Last evaluated: 2019-08-09. Review status: no assertion criteria provided. Collection method: clinical testing. Allele origin: germline. Not counted in ClinVar's aggregate classification.
Comment: This variant is classified as likely benign based on ACMG/AMP sequence variant interpretation guidelines (Richards et al. 2015 PMID: 25741868, with internal and published modifications).